The following is an entry in ClinVar:

ClinVar aggregate classification (germline): Uncertain significance (1 of 4 stars; one submission).

gnomAD v4.1: 1 of 1,614,186 alleles (0.000062%); no homozygotes.

Submission:

Labcorp Genetics (formerly Invitae), Labcorp
Classification: Uncertain significance. Last evaluated: 2025-09-17. Review status: criteria provided, single submitter. Criteria: Invitae Variant Classification Sherloc (09022015). Collection method: clinical testing. Allele origin: germline.
Comment: This sequence change replaces serine, which is neutral and polar, with arginine, which is basic and polar, at codon 391 of the EFTUD2 protein (p.Ser391Arg). This variant is not present in population databases (gnomAD no frequency). This variant has not been reported in the literature in individuals affected with EFTUD2-related conditions. ClinVar contains an entry for this variant (Variation ID: 3674397). Invitae Evidence Modeling of protein sequence and biophysical properties (such as structural, functional, and spatial information, amino acid conservation, physicochemical variation, residue mobility, and thermodynamic stability) indicates that this missense variant is not expected to disrupt EFTUD2 protein function with a negative predictive value of 80%. In summary, the available evidence is currently insufficient to determine the role of this variant in disease. Therefore, it has been classified as a Variant of Uncertain Significance.

NM_004247.4(EFTUD2):c.1173C>A (p.Ser391Arg)

Gene: EFTUD2 (elongation factor Tu GTP binding domain containing 2; minus strand). Cytogenetic location: 17q21.31.
Variant type: single nucleotide variant.
Coding change: c.1173C>A on transcript NM_004247.4 (MANE Select); coding-DNA position 1173, C replaced by A.
Protein change: p.Ser391Arg; replaces serine 391 with arginine.
Molecular consequence: missense variant.
Genome position (GRCh38, 1-based): chr17:44,865,042, G>T on the plus strand (C>A on the coding strand, the complement: EFTUD2 is on the minus strand). VCF-style: chr17-44865042-G-T. GRCh37 (hg19) VCF-style: chr17-42942410-G-T.
Other names: c.1068C>A, p.Ser356Arg (NM_001142605.2); c.1173C>A, p.Ser391Arg (NM_001258353.2); c.1143C>A, p.Ser381Arg (NM_001258354.2); short protein forms S381R, S356R, S391R.
Identifiers: ClinVar variation 3674397 (VCV003674397.2).